The following is an entry in ClinVar:

ClinVar aggregate classification (germline): Pathogenic (1 of 4 stars; one submission).

Conditions:
Leber congenital amaurosis 6 (LCA6). Identifiers: Orphanet 65, MedGen C1854260, MONDO:0013446, OMIM 613826.

Allele frequency attached by ClinVar (database versions not stated): TOPMed 0.00001.

Submission:

Broad Center for Mendelian Genomics, Broad Institute of MIT and Harvard
Classification: Pathogenic for Leber congenital amaurosis 6. Last evaluated: 2018-12-03. Review status: criteria provided, single submitter. Criteria: ACMG Guidelines, 2015. Collection method: research. Allele origin: germline. Inheritance: Autosomal recessive inheritance. Affected: yes.
Comment: The c.1468-263G>C variant in RPGRIP1 has not been previously reported in individuals with Leber congenital amaurosis and was absent from large population studies. In vitro functional studies provide some evidence that the c.1468-263G>C variant may impact protein function by activating an in-frame cryptic splice site. The resulting transcript will include a premature stop codon and is predicted to lead to a truncated or absent protein (PMID: 30072743). However, these types of assays may not accurately represent biological function. Computational tools do support an impact to splicing. Loss of function of the RPGRIP1 gene is an established disease mechanism in autosomal recessive Leber congenital amaurosis. The presence of this variant in combination with a reported likely pathogenic variant and in an individual with Leber congenital amaurosis increases the likelihood that the c.1468-263G>C variant is pathogenic. In summary, this variant meets criteria to be classified as pathogenic for Leber congenital amaurosis in an autosomal recessive manner based on the predicted impact of the protein functional evidence. ACMG/AMP Criteria applied: PM2, PVS1, PS3, PM3_Supporting (Richards 2015).

Literature cited by the submitters: PubMed 30072743.

NM_020366.4(RPGRIP1):c.1468-263G>C

Gene: RPGRIP1 (RPGR interacting protein 1; plus strand). Cytogenetic location: 14q11.2.
Variant type: single nucleotide variant.
Coding change: c.1468-263G>C on transcript NM_020366.4 (MANE Select); 263 bases into the intron before coding-DNA position 1468, G replaced by C.
Molecular consequence: intron variant.
Genome position (GRCh38, 1-based): chr14:21,320,996, G>C. VCF-style: chr14-21320996-G-C. GRCh37 (hg19) VCF-style: chr14-21789155-G-C.
Other names: c.394-263G>C (NM_001377948.1, NM_001377949.1, NM_001377523.1 and 1 more transcripts); c.-105-263G>C (NM_001377951.1).
Identifiers: ClinVar variation 814006 (VCV000814006.1), dbSNP rs1594202505, ClinGen allele CA915948862.